The following is an entry in ClinVar:

ClinVar aggregate classification (germline): Uncertain significance. Review status: criteria provided, multiple submitters, no conflicts (2 of 4 stars). 3 submissions from 3 submitters: Uncertain significance (3). Last evaluated 2026-04-15.

Conditions:
Hereditary cancer-predisposing syndrome. Also called: Neoplastic Syndromes, Hereditary; Hereditary Cancer Syndrome; Hereditary neoplastic syndrome; Tumor predisposition. Identifiers: Orphanet 140162, MedGen C0027672, MeSH D009386, MONDO:0015356.

Submissions (3):

Dasa
Classification: Uncertain significance. Last evaluated: 2026-04-15. Review status: criteria provided, single submitter. Criteria: DASA Assertion Criteria. Collection method: clinical testing. Allele origin: germline.
Comment: NM_003073.5(SMARCB1):c.469G>T (p.Gly157Cys) is a missense variant that results in the substitution of glycine with cysteine. This variant is absent from population databases. Computational prediction algorithms are consistent with a deleterious effect. The currently available literature and clinical evidence are not sufficient to establish a definitive association between this variant and the reported condition. Therefore, this variant is classified as a variant of uncertain significance.

Ambry Genetics
Classification: Uncertain significance for Hereditary cancer-predisposing syndrome. Last evaluated: 2025-08-23. Review status: criteria provided, single submitter. Criteria: Ambry Variant Classification Scheme 2023. Collection method: clinical testing. Allele origin: germline.

Labcorp Genetics (formerly Invitae), Labcorp
Classification: Uncertain significance. Last evaluated: 2022-06-08. Review status: criteria provided, single submitter. Criteria: Invitae Variant Classification Sherloc (09022015). Collection method: clinical testing. Allele origin: germline.
Comment: This sequence change replaces glycine, which is neutral and non-polar, with cysteine, which is neutral and slightly polar, at codon 157 of the SMARCB1 protein (p.Gly157Cys). This variant is not present in population databases (gnomAD no frequency). This variant has not been reported in the literature in individuals affected with SMARCB1-related conditions. ClinVar contains an entry for this variant (Variation ID: 570203). Algorithms developed to predict the effect of missense changes on protein structure and function (SIFT, PolyPhen-2, Align-GVGD) all suggest that this variant is likely to be disruptive. In summary, the available evidence is currently insufficient to determine the role of this variant in disease. Therefore, it has been classified as a Variant of Uncertain Significance.

NM_003073.5(SMARCB1):c.469G>T (p.Gly157Cys)

Gene: SMARCB1 (SWI/SNF related BAF chromatin remodeling complex subunit B1; plus strand). Cytogenetic location: 22q11.23.
Variant type: single nucleotide variant.
Coding change: c.469G>T on transcript NM_003073.5 (MANE Select); coding-DNA position 469, G replaced by T.
Protein change: p.Gly157Cys; replaces glycine 157 with cysteine.
Molecular consequence: missense variant.
Genome position (GRCh38, 1-based): chr22:23,801,050, G>T. VCF-style: chr22-23801050-G-T. GRCh37 (hg19) VCF-style: chr22-24143237-G-T.
Other names: c.469G>T (LRG_520t1); c.442G>T, p.Gly148Cys (NM_001007468.3, NM_001317946.2); c.469G>T, p.Gly157Cys (NM_001362877.2); short protein forms G157C, G148C.
Identifiers: ClinVar variation 570203 (VCV000570203.12), dbSNP rs1568941668, ClinGen allele CA410934525.